The following is an entry in ClinVar:

ClinVar aggregate classification (germline): Uncertain significance (1 of 4 stars; one submission).

Conditions:
Cardiomyopathy (CMYO). Also called: Cardiomyopathies. Identifiers: Orphanet 167848, MedGen C0878544, MONDO:0004994, HP:0001638. Inheritance: Various modes of inheritance.

Submission:

Color Diagnostics, LLC DBA Color Health
Classification: Uncertain significance for Cardiomyopathy. Last evaluated: 2023-11-13. Review status: criteria provided, single submitter. Criteria: ACMG Guidelines, 2015. Collection method: clinical testing. Allele origin: germline.
Comment: This missense variant replaces valine with leucine at codon 453 of the PRKAG2 protein. Computational prediction suggests that this variant may not impact protein structure and function (internally defined REVEL score threshold <= 0.5, PMID: 27666373). To our knowledge, functional studies have not been reported for this variant. This variant has not been reported in individuals affected with PRKAG2-related disorders in the literature. This variant has not been identified in the general population by the Genome Aggregation Database (gnomAD). The available evidence is insufficient to determine the role of this variant in disease conclusively. Therefore, this variant is classified as a Variant of Uncertain Significance.

NM_016203.4(PRKAG2):c.1357G>T (p.Val453Leu)

Gene: PRKAG2 (protein kinase AMP-activated non-catalytic subunit gamma 2; minus strand). Cytogenetic location: 7q36.1.
Variant type: single nucleotide variant.
Coding change: c.1357G>T on transcript NM_016203.4 (MANE Select); coding-DNA position 1357, G replaced by T.
Protein change: p.Val453Leu; replaces valine 453 with leucine.
Molecular consequence: missense variant.
Genome position (GRCh38, 1-based): chr7:151,565,762, C>A on the plus strand (G>T on the coding strand, the complement: PRKAG2 is on the minus strand). VCF-style: chr7-151565762-C-A. GRCh37 (hg19) VCF-style: chr7-151262848-C-A.
Other names: c.1225G>T, p.Val409Leu (NM_001040633.2, NM_001407024.1); c.982G>T, p.Val328Leu (NM_001304527.2, NM_001407029.1); c.634G>T, p.Val212Leu (NM_001304531.2, NM_001407034.1, NM_001407035.1 and 1 more transcripts); c.985G>T, p.Val329Leu (NM_001363698.2, NM_001407028.1); c.1357G>T, p.Val453Leu (NM_001407021.1); c.1354G>T, p.Val452Leu (NM_001407022.1, NM_001407023.1); c.1222G>T, p.Val408Leu (NM_001407026.1, NM_001407027.1); c.1069G>T, p.Val357Leu (NM_001407030.1); and 6 more; short protein forms V211L, V347L, V453L, V345L, V212L, V228L, V328L, V408L.
Identifiers: ClinVar variation 2774163 (VCV002774163.2), dbSNP rs1806102539, ClinGen allele CA370070943.
Genomic context (GRCh38, chr7:151,565,762, plus strand): 5'-AGCGCCAAACACACAAACCTGACTCATCCACAACAGGCAGAGCTGATATTCGTCTTTCCA[C>A]AAATATGTTCAAGGCTTTGATGATGGGAGTGTCTGGATGTATGAAGGCAATGTTGTGGTA-3'
Protein context (NP_057287.2, residues 443-463): TPIIKALNIF[Val453Leu]ERRISALPVV